The following is an entry in ClinVar:

NM_016335.6(PRODH):c.298C>G (p.Leu100Val)

Gene: PRODH (proline dehydrogenase 1; minus strand). Cytogenetic location: 22q11.21.
Variant type: single nucleotide variant.
Coding change: c.298C>G on transcript NM_016335.6 (MANE Select); coding-DNA position 298, C replaced by G.
Protein change: p.Leu100Val; replaces leucine 100 with valine.
Molecular consequence: missense variant. On other transcripts: 5 prime UTR variant (2).
Genome position (GRCh38, 1-based): chr22:18,931,174, G>C on the plus strand (C>G on the coding strand, the complement: PRODH is on the minus strand). VCF-style: chr22-18931174-G-C. GRCh37 (hg19) VCF-style: chr22-18918687-G-C.
Other names: c.-27C>G (NM_001195226.2, NM_001368250.2); short protein forms L100V.
Identifiers: ClinVar variation 2047229 (VCV002047229.3), dbSNP rs369474391, ClinGen allele CA321321255.

ClinVar aggregate classification (germline): Uncertain significance (1 of 4 stars; one submission).

Conditions:
Proline dehydrogenase deficiency (HYRPRO1). Also called: PROLINE OXIDASE DEFICIENCY; Hyperprolinemia type 1. Identifiers: Orphanet 419, MedGen C0268529, MONDO:0009400, OMIM 239500.

Allele frequency attached by ClinVar (database versions not stated): ESP Exome Variant Server 0.00008.

Submission:

Labcorp Genetics (formerly Invitae), Labcorp
Classification: Uncertain significance for Proline dehydrogenase deficiency. Last evaluated: 2022-02-19. Review status: criteria provided, single submitter. Criteria: Invitae Variant Classification Sherloc (09022015). Collection method: clinical testing. Allele origin: germline.
Comment: In summary, the available evidence is currently insufficient to determine the role of this variant in disease. Therefore, it has been classified as a Variant of Uncertain Significance. This sequence change replaces leucine, which is neutral and non-polar, with valine, which is neutral and non-polar, at codon 100 of the PRODH protein (p.Leu100Val). This variant is present in population databases (rs369474391, gnomAD 0.04%). This variant has not been reported in the literature in individuals affected with PRODH-related conditions. Algorithms developed to predict the effect of missense changes on protein structure and function are either unavailable or do not agree on the potential impact of this missense change (SIFT: "Deleterious"; PolyPhen-2: "Benign"; Align-GVGD: "Class C0").